The following is an entry in ClinVar:

ClinVar aggregate classification (germline): Uncertain significance (1 of 4 stars; one submission).

Allele frequency attached by ClinVar (database versions not stated): gnomAD exomes below 0.00001.

Submission:

Labcorp Genetics (formerly Invitae), Labcorp
Classification: Uncertain significance. Last evaluated: 2021-11-06. Review status: criteria provided, single submitter. Criteria: Invitae Variant Classification Sherloc (09022015). Collection method: clinical testing. Allele origin: germline.
Comment: This variant has not been reported in the literature in individuals affected with SAG-related conditions. This variant is not present in population databases (gnomAD no frequency). This sequence change replaces glutamic acid, which is acidic and polar, with glutamine, which is neutral and polar, at codon 187 of the SAG protein (p.Glu187Gln). Algorithms developed to predict the effect of missense changes on protein structure and function output the following: SIFT: "Tolerated"; PolyPhen-2: "Benign"; Align-GVGD: "Class C0". The glutamine amino acid residue is found in multiple mammalian species, which suggests that this missense change does not adversely affect protein function. In summary, the available evidence is currently insufficient to determine the role of this variant in disease. Therefore, it has been classified as a Variant of Uncertain Significance.

NM_000541.5(SAG):c.559G>C (p.Glu187Gln)

Gene: SAG (S-antigen visual arrestin; plus strand). Cytogenetic location: 2q37.1.
Variant type: single nucleotide variant.
Coding change: c.559G>C on transcript NM_000541.5 (MANE Select); coding-DNA position 559, G replaced by C.
Protein change: p.Glu187Gln; replaces glutamic acid 187 with glutamine.
Molecular consequence: missense variant.
Genome position (GRCh38, 1-based): chr2:233,328,524, G>C. VCF-style: chr2-233328524-G-C. GRCh37 (hg19) VCF-style: chr2-234237170-G-C.
Other names: short protein forms E187Q.
Identifiers: ClinVar variation 1391818 (VCV001391818.6), dbSNP rs2125336822, ClinGen allele CA351047419.